The following is an entry in ClinVar:

ClinVar aggregate classification (germline): Uncertain significance (1 of 4 stars; one submission).

Submission:

Labcorp Genetics (formerly Invitae), Labcorp
Classification: Uncertain significance. Last evaluated: 2022-07-23. Review status: criteria provided, single submitter. Criteria: Invitae Variant Classification Sherloc (09022015). Collection method: clinical testing. Allele origin: germline.
Comment: In summary, the available evidence is currently insufficient to determine the role of this variant in disease. Therefore, it has been classified as a Variant of Uncertain Significance. Algorithms developed to predict the effect of missense changes on protein structure and function are either unavailable or do not agree on the potential impact of this missense change (SIFT: "Deleterious"; PolyPhen-2: "Probably Damaging"; Align-GVGD: "Class C0"). This variant has not been reported in the literature in individuals affected with CREB3L1-related conditions. This variant is not present in population databases (gnomAD no frequency). This sequence change replaces tyrosine, which is neutral and polar, with serine, which is neutral and polar, at codon 428 of the CREB3L1 protein (p.Tyr428Ser).

NM_052854.4(CREB3L1):c.1283A>C (p.Tyr428Ser)

Gene: CREB3L1 (cAMP responsive element binding protein 3 like 1; plus strand). Cytogenetic location: 11p11.2.
Variant type: single nucleotide variant.
Coding change: c.1283A>C on transcript NM_052854.4 (MANE Select); coding-DNA position 1283, A replaced by C.
Protein change: p.Tyr428Ser; replaces tyrosine 428 with serine.
Molecular consequence: missense variant.
Genome position (GRCh38, 1-based): chr11:46,320,288, A>C. VCF-style: chr11-46320288-A-C. GRCh37 (hg19) VCF-style: chr11-46341839-A-C.
Other names: short protein forms Y428S.
Identifiers: ClinVar variation 1957204 (VCV001957204.5), dbSNP rs2496189704, ClinGen allele CA380225091.